The following is an entry in ClinVar:

NC_000006.11:g.(?_84563136)_(84563512_?)del

Gene: RIPPLY2 (ripply transcriptional repressor 2; plus strand). Cytogenetic location: 6q14.2.
Variant type: Deletion.
Identifiers: ClinVar variation 2423464 (VCV002423464.2).

ClinVar aggregate classification (germline): Uncertain significance (1 of 4 stars; one submission).

Submission:

Labcorp Genetics (formerly Invitae), Labcorp
Classification: Uncertain significance. Last evaluated: 2022-06-28. Review status: criteria provided, single submitter. Criteria: Invitae Variant Classification Sherloc (09022015). Collection method: clinical testing. Allele origin: germline.
Comment: This variant has not been reported in the literature in individuals affected with RIPPLY2-related conditions. In summary, the available evidence is currently insufficient to determine the role of this variant in disease. Therefore, it has been classified as a Variant of Uncertain Significance. Experimental studies and prediction algorithms are not available or were not evaluated, and the functional significance of this variant is currently unknown. This variant is a gross deletion of the genomic region encompassing exon(s) 1-2 of the RIPPLY2 gene, which includes the initiator codon. This deletion extends beyond the assayed region for this gene and therefore may encompass additional genes. It is expected to result in an absent or disrupted protein product. However, the current clinical and genetic evidence is not sufficient to establish whether loss-of-function variants in RIPPLY2 cause disease.